The following is an entry in ClinVar:

ClinVar aggregate classification (germline): Uncertain significance. Review status: criteria provided, multiple submitters, no conflicts (2 of 4 stars). 3 submissions from 3 submitters: Uncertain significance (3). Last evaluated 2025-05-28.

Conditions:
Inborn genetic diseases. Identifiers: MedGen C0950123, MeSH D030342.
Deafness-lymphedema-leukemia syndrome. Also called: Emberger syndrome; Lymphedema, primary, with myelodysplasia. Identifiers: Orphanet 3226, MedGen C3279664, MONDO:0013540, OMIM 614038.
Monocytopenia with susceptibility to infections. Also called: IMMUNODEFICIENCY 21; GATA2 DEFICIENCY; MONOCYTOPENIA AND MYCOBACTERIAL INFECTION SYNDROME; MONOCYTOPENIA WITH SUSCEPTIBILITY TO MYCOBACTERIAL, FUNGAL, AND PAPILLOMAVIRUS INFECTIONS AND MYELODYSPLASIA; COMBINED IMMUNODEFICIENCY WITH SUSCEPTIBILITY TO MYCOBACTERIAL, VIRAL, AND FUNGAL INFECTIONS; Dendritic cell, monocyte, B lymphocyte, and natural killer lymphocyte deficiency. Identifiers: Orphanet 228423, MedGen C3280030, MONDO:0013607, OMIM 614172.

gnomAD v4.1: 12 of 1,614,012 alleles (0.00074%); highest among the groups gnomAD compares: East Asian, 0.0022%; no homozygotes.

Submissions (3):

GeneDx
Classification: Uncertain significance. Last evaluated: 2025-05-28. Review status: criteria provided, single submitter. Criteria: GeneDx Variant Classification Process June 2021. Collection method: clinical testing. Allele origin: germline. Affected: yes.
Comment: Not observed at significant frequency in large population cohorts (gnomAD); In silico analysis suggests that this missense variant does not alter protein structure/function; Has not been previously published as pathogenic or benign to our knowledge

Ambry Genetics
Classification: Uncertain significance for Inborn genetic diseases. Last evaluated: 2025-01-09. Review status: criteria provided, single submitter. Criteria: Ambry Variant Classification Scheme 2023. Collection method: clinical testing. Allele origin: germline.
Comment: The p.S277N variant (also known as c.830G>A), located in coding exon 2 of the GATA2 gene, results from a G to A substitution at nucleotide position 830. The serine at codon 277 is replaced by asparagine, an amino acid with highly similar properties. This amino acid position is conserved. In addition, the in silico prediction for this alteration is inconclusive. Based on the available evidence, the clinical significance of this variant remains unclear.

Labcorp Genetics (formerly Invitae), Labcorp
Classification: Uncertain significance for Monocytopenia with susceptibility to infections; Deafness-lymphedema-leukemia syndrome. Last evaluated: 2024-10-08. Review status: criteria provided, single submitter. Criteria: Invitae Variant Classification Sherloc (09022015). Collection method: clinical testing. Allele origin: germline.
Comment: This sequence change replaces serine, which is neutral and polar, with asparagine, which is neutral and polar, at codon 277 of the GATA2 protein (p.Ser277Asn). This variant is not present in population databases (gnomAD no frequency). This variant has not been reported in the literature in individuals affected with GATA2-related conditions. ClinVar contains an entry for this variant (Variation ID: 1359571). Invitae Evidence Modeling of protein sequence and biophysical properties (such as structural, functional, and spatial information, amino acid conservation, physicochemical variation, residue mobility, and thermodynamic stability) has been performed for this missense variant. However, the output from this modeling did not meet the statistical confidence thresholds required to predict the impact of this variant on GATA2 protein function. In summary, the available evidence is currently insufficient to determine the role of this variant in disease. Therefore, it has been classified as a Variant of Uncertain Significance.

NM_032638.5(GATA2):c.830G>A (p.Ser277Asn)

Gene: GATA2 (GATA binding protein 2; minus strand). Cytogenetic location: 3q21.3.
Variant type: single nucleotide variant.
Coding change: c.830G>A on transcript NM_032638.5 (MANE Select); coding-DNA position 830, G replaced by A.
Protein change: p.Ser277Asn; replaces serine 277 with asparagine.
Molecular consequence: missense variant.
Genome position (GRCh38, 1-based): chr3:128,485,768, C>T on the plus strand (G>A on the coding strand, the complement: GATA2 is on the minus strand). VCF-style: chr3-128485768-C-T. GRCh37 (hg19) VCF-style: chr3-128204611-C-T.
Other names: c.830G>A, p.Ser277Asn (NM_001145661.2, NM_001145662.1); c.830G>A (NM_032638.4); short protein forms S277N.
Identifiers: ClinVar variation 1359571 (VCV001359571.8), dbSNP rs1194571051, ClinGen allele CA354405774.